The following is an entry in ClinVar:

NM_001010909.5(MUC21):c.963C>T (p.Ser321=)

Genes: MUC21 (mucin 21, cell surface associated; plus strand), LOC126859647 (CDK7 strongly-dependent group 2 enhancer GRCh37_chr6:30954612-30955811; plus strand). Cytogenetic location: 6p21.33.
Variant type: single nucleotide variant.
Coding change: c.963C>T on transcript NM_001010909.5 (MANE Select); coding-DNA position 963, C replaced by T.
Protein change: p.Ser321=; no amino-acid change (serine 321 retained).
Molecular consequence: synonymous variant. On other transcripts: non-coding transcript variant (1).
Genome position (GRCh38, 1-based): chr6:30,987,138, C>T. VCF-style: chr6-30987138-C-T. GRCh37 (hg19) VCF-style: chr6-30954915-C-T.
Other names: c.1053C>T, p.Ser351= (NM_001322370.2, NM_001322371.2).
Identifiers: ClinVar variation 3025687 (VCV003025687.22), dbSNP rs112168055, ClinGen allele CA136800423.

ClinVar aggregate classification (germline): Likely benign (1 of 4 stars; one submission).

Submission:

CeGaT Center for Human Genetics Tuebingen
Classification: Likely benign. Last evaluated: 2024-01-01. Review status: criteria provided, single submitter. Criteria: CeGaT Center For Human Genetics Tuebingen Variant Classification Criteria Version 2. Collection method: clinical testing. Allele origin: germline. Affected: yes. Observed: 1 variant allele.
Comment: MUC21: BP4, BP7